The following is an entry in ClinVar:

NM_001164508.2(NEB):c.24842G>A (p.Arg8281Gln)

Genes: RIF1 (replication timing regulatory factor 1; plus strand), NEB (nebulin; minus strand). Cytogenetic location: 2q23.3.
Variant type: single nucleotide variant.
Coding change: c.24842G>A on transcript NM_001164508.2 (MANE Select); coding-DNA position 24842, G replaced by A.
Protein change: p.Arg8281Gln; replaces arginine 8281 with glutamine.
Molecular consequence: missense variant.
Genome position (GRCh38, 1-based): chr2:151,492,418, C>T on the plus strand (G>A on the coding strand, the complement: NEB is on the minus strand). VCF-style: chr2-151492418-C-T. GRCh37 (hg19) VCF-style: chr2-152348932-C-T.
Other names: c.24842G>A, p.Arg8281Gln (NM_001164507.2); c.24947G>A, p.Arg8316Gln (NM_001271208.2); c.19274G>A, p.Arg6425Gln (NM_004543.5); short protein forms R6425Q, R8281Q, R8316Q.
Identifiers: ClinVar variation 857266 (VCV000857266.14), dbSNP rs770024830, ClinGen allele CA1905898.

ClinVar aggregate classification (germline): Uncertain significance. Review status: criteria provided, multiple submitters, no conflicts (2 of 4 stars). 3 submissions from 3 submitters: Uncertain significance (2). 1 of the submissions does not count toward it. Last evaluated 2025-01-01.

Conditions:
Nemaline myopathy 2 (NEM2). Also called: Nemaline myopathy 2, autosomal recessive. Identifiers: MedGen C1850569, MONDO:0009725, OMIM 256030.

Allele frequency attached by ClinVar (database versions not stated): ExAC 0.00001; gnomAD exomes 0.00001 and 0.00002; gnomAD 0.00004.
gnomAD v4.1: 32 of 1,608,898 alleles (0.002%); highest among the groups gnomAD compares: South Asian, 0.0033%; no homozygotes.

Submissions (4):

Labcorp Genetics (formerly Invitae), Labcorp
Classification: Uncertain significance for Nemaline myopathy 2. Last evaluated: 2025-01-01. Review status: criteria provided, single submitter. Criteria: Invitae Variant Classification Sherloc (09022015). Collection method: clinical testing. Allele origin: germline.
Comment: This sequence change replaces arginine, which is basic and polar, with glutamine, which is neutral and polar, at codon 8316 of the NEB protein (p.Arg8316Gln). This variant is present in population databases (rs770024830, gnomAD 0.005%). This variant has not been reported in the literature in individuals affected with NEB-related conditions. ClinVar contains an entry for this variant (Variation ID: 857266). Experimental studies and prediction algorithms are not available or were not evaluated, and the functional significance of this variant is currently unknown. In summary, the available evidence is currently insufficient to determine the role of this variant in disease. Therefore, it has been classified as a Variant of Uncertain Significance.

Revvity Omics, Revvity
Classification: Uncertain significance. Last evaluated: 2024-12-28. Review status: criteria provided, single submitter. Criteria: ACMG Guidelines, 2015. Collection method: clinical testing. Allele origin: germline.

Natera, Inc.
Classification: Uncertain significance for Nemaline myopathy type 2. Last evaluated: 2021-09-14. Review status: no assertion criteria provided. Collection method: clinical testing. Allele origin: germline. Not counted in ClinVar's aggregate classification.

Dr. Peter K. Rogan Lab, Western University
No classification provided (evidence only). Condition: Thymoma. Review status: no classification provided. Collection method: in vitro. Allele origin: not applicable. Functional consequence: retained intron. Not counted in ClinVar's aggregate classification.